The following is an entry in ClinVar:

ClinVar aggregate classification (germline): Pathogenic. Review status: criteria provided, multiple submitters, no conflicts (2 of 4 stars). 11 submissions from 11 submitters: Pathogenic (8). 3 of the submissions do not count toward it. Last evaluated 2025-12-31.

Conditions:
ALMS1-related disorder. Also called: ALMS1-related condition.
Cardiovascular phenotype. Identifiers: MedGen CN230736.
Alstrom syndrome (ALMS). Identifiers: Orphanet 64, MedGen C0268425, MONDO:0008763, OMIM 203800.

Submissions (11):

Labcorp Genetics (formerly Invitae), Labcorp
Classification: Pathogenic for Alstrom syndrome. Last evaluated: 2025-12-31. Review status: criteria provided, single submitter. Criteria: Invitae Variant Classification Sherloc (09022015). Collection method: clinical testing. Allele origin: germline.
Comment: This sequence change creates a premature translational stop signal (p.Thr400Lysfs*11) in the ALMS1 gene. It is expected to result in an absent or disrupted protein product. Loss-of-function variants in ALMS1 are known to be pathogenic (PMID: 17594715). This variant is present in population databases (rs761292021, gnomAD 0.008%). This variant has not been reported in the literature in individuals affected with ALMS1-related conditions. ClinVar contains an entry for this variant (Variation ID: 555656). For these reasons, this variant has been classified as Pathogenic.

Laboratory of Genetics, Children's Clinical University Hospital Latvia
Classification: Pathogenic. Last evaluated: 2025-02-16. Review status: criteria provided, single submitter. Criteria: ACMG Guidelines, 2015. Collection method: clinical testing. Allele origin: germline. Affected: yes.

Ambry Genetics
Classification: Pathogenic for Cardiovascular phenotype. Last evaluated: 2024-01-22. Review status: criteria provided, single submitter. Criteria: Ambry Variant Classification Scheme 2023. Collection method: clinical testing. Allele origin: germline.
Comment: The c.1199_1205delCACAGGA pathogenic mutation, located in coding exon 5 of the ALMS1 gene, results from a deletion of 7 nucleotides at nucleotide positions 1199 to 1205, causing a translational frameshift with a predicted alternate stop codon (p.T400Kfs*11). This variant (also referred to as p.Thr399LysfsTer11) has been identified in the homozygous state and in trans with other ALMS1 variants in individuals diagnosed with or who had features consistent with Alstrom syndrome (Lombardo B et al. Mol Genet Genomic Med, 2020 Jul;8:e1260; Gatticchi L et al. BMC Med Genet, 2020 Sep;21:173; Etheridge T et al. Am J Ophthalmol Case Rep, 2020 Dec;20:100873). This alteration is expected to result in loss of function by premature protein truncation or nonsense-mediated mRNA decay. As such, this alteration is interpreted as a disease-causing mutation.

Blueprint Genetics
Classification: Pathogenic for ALMS1-related disorders. Last evaluated: 2023-12-12. Review status: criteria provided, single submitter. Criteria: ACMG Guidelines, 2015. Collection method: clinical testing. Allele origin: germline. Affected: yes. Observed: 5 variant alleles.

Fulgent Genetics
Classification: Pathogenic for Alstrom syndrome. Last evaluated: 2021-12-15. Review status: criteria provided, single submitter. Criteria: ACMG Guidelines, 2015. Collection method: clinical testing. Allele origin: unknown.

CeGaT Center for Human Genetics Tuebingen
Classification: Pathogenic. Last evaluated: 2021-05-01. Review status: criteria provided, single submitter. Criteria: CeGaT Center For Human Genetics Tuebingen Variant Classification Criteria Version 2. Collection method: clinical testing. Allele origin: germline. Affected: yes. Observed: 1 variant allele.

Institute of Medical Genetics and Applied Genomics, University Hospital Tübingen
Classification: Pathogenic. Last evaluated: 2020-10-23. Review status: criteria provided, single submitter. Criteria: ACMG Guidelines, 2015. Collection method: clinical testing. Allele origin: germline. Inheritance: Unknown mechanism. Affected: yes.

MAGI'S LAB - Medical Genetics Laboratory, MAGI GROUP
Classification: Pathogenic for Alstrom syndrome. Last evaluated: 2020-08-04. Review status: criteria provided, single submitter. Criteria: ACMG Guidelines, 2015. Collection method: clinical testing. Allele origin: paternal. Inheritance: Autosomal recessive inheritance. Affected: yes. Observed: 1 compound heterozygote.
Comment: The p.(Thr399Lysfs*11) variant has been reported in two brothers with an atypical form of Alstrom syndrome (Lombardo 2020). It is a null variant in a gene where loss-of-funcion is a known mechanism of disease. It has been found at extremely low frequency in GnomAD. The variant has been detected in trans with a pathogenic variant, the p.(Glu3771Trpfs*18). In summary, the p.(Thr399Lysfs*11) variant meets the ACMG Guidelines (Richards 2015) criteria to be classified as pathogenic (PVS1, PM2, PM3 and PP5).

PreventionGenetics, part of Exact Sciences
Classification: Pathogenic for ALMS1-related condition. Last evaluated: 2024-09-12. Review status: no assertion criteria provided. Collection method: clinical testing. Allele origin: germline. Not counted in ClinVar's aggregate classification.
Comment: The ALMS1 c.1196_1202del7 variant is predicted to result in a frameshift and premature protein termination (p.Thr399Lysfs*11). This variant has been reported in the homozygous state in brothers with Alstom syndrome (Lombardo et al. 2020. PubMed ID: 32396277) and in the compound heterozygous state in another individual with Alstrom syndrome (Gatticchi et al. 2020. PubMed ID: 32867697). A similar deletion, c.1199_1205del, resulting in premature protein termination at the same stop codon as p.Thr399lysfs*11 has also been reported to cause Alstrom syndrome (see case 2 in Etheridge. 2020. PubMed ID: 32944671 and Table S1, Zhu et al. 2022. PubMed ID: 35456422). This variant is reported in 0.0041% of alleles in individuals of European (Finnish) descent in gnomAD. Frameshift variants in ALMS1 are expected to be pathogenic. This variant is interpreted as pathogenic.

Natera, Inc.
Classification: Pathogenic for Alstrom syndrome. Last evaluated: 2020-11-12. Review status: no assertion criteria provided. Collection method: clinical testing. Allele origin: germline. Not counted in ClinVar's aggregate classification.

Counsyl
Classification: Likely pathogenic for Alstrom syndrome. Last evaluated: 2017-12-27. Review status: no assertion criteria provided. Collection method: clinical testing. Allele origin: unknown. Not counted in ClinVar's aggregate classification.

Literature cited by the submitters: PubMed 17594715 (cited by Labcorp Genetics (formerly Invitae), Labcorp); PubMed 32396277 (cited by Ambry Genetics); PubMed 32867697 (cited by Ambry Genetics); PubMed 32944671 (cited by Ambry Genetics).

NM_001378454.1(ALMS1):c.1196_1202del (p.Thr399fs)

Gene: ALMS1 (ALMS1 centrosome and basal body associated protein; plus strand). Cytogenetic location: 2p13.1.
Variant type: Deletion.
Coding change: c.1196_1202del on transcript NM_001378454.1 (MANE Select); coding-DNA positions 1196 to 1202, 7 bases deleted (CACAGGA; older notation c.1196_1202delCACAGGA).
Protein change: p.Thr399fs; shifts the reading frame from threonine 399.
Molecular consequence: frameshift variant.
Genome position (GRCh38, 1-based): chr2:73,424,861-73,424,867, CACAGGA deleted; deleting any 7 consecutive bases within chr2:73,424,858-73,424,867 gives the same sequence; the c. name uses the placement nearest the transcript's 3' end. VCF-style (leftmost placement, unchanged base first): chr2-73424857-TGGACACA-T. GRCh37 (hg19) VCF-style: chr2-73651985-TGGACACA-T.
Other names: c.1199_1205del, p.Thr400fs (NM_015120.4); c.1199_1205delCACAGGA (NM_015120.4); c.1196_1202del (NM_015120.4); c.1199_1205del7 (NM_015120.4); c.1196_1202del7 (NM_015120.4); short protein forms T400fs, T399fs.
Identifiers: ClinVar variation 555656 (VCV000555656.58), dbSNP rs761292021, ClinGen allele CA1713067.